The following is an entry in ClinVar:

ClinVar aggregate classification (germline): Uncertain significance (1 of 4 stars; one submission).

Conditions:
Developmental and epileptic encephalopathy, 42 (DEE42A). Also called: Epileptic encephalopathy, early infantile, 42; DEVELOPMENTAL AND EPILEPTIC ENCEPHALOPATHY 42A; EPILEPTIC ENCEPHALOPATHY, EARLY INFANTILE, 42A. Identifiers: MedGen C4310716, MONDO:0014917, OMIM 617106.
Episodic ataxia type 2 (EA2). Also called: ATAXIA, EPISODIC, WITH NYSTAGMUS; ATAXIA, FAMILIAL PAROXYSMAL; CEREBELLAR ATAXIA, PAROXYSMAL, ACETAZOLAMIDE-RESPONSIVE; CEREBELLOPATHY, HEREDITARY PAROXYSMAL; EPISODIC ATAXIA, NYSTAGMUS-ASSOCIATED; ACETAZOLAMIDE-RESPONSIVE HEREDITARY PAROXYSMAL CEREBELLAR ATAXIA. Identifiers: Orphanet 97, MedGen C1720416, MONDO:0007163, OMIM 108500.

Submission:

Labcorp Genetics (formerly Invitae), Labcorp
Classification: Uncertain significance for Developmental and epileptic encephalopathy, 42; Episodic ataxia type 2. Last evaluated: 2021-12-02. Review status: criteria provided, single submitter. Criteria: Invitae Variant Classification Sherloc (09022015). Collection method: clinical testing. Allele origin: germline.
Comment: This sequence change replaces serine, which is neutral and polar, with threonine, which is neutral and polar, at codon 780 of the CACNA1A protein (p.Ser780Thr). This variant is not present in population databases (gnomAD no frequency). This variant has not been reported in the literature in individuals affected with CACNA1A-related conditions. Advanced modeling of protein sequence and biophysical properties (such as structural, functional, and spatial information, amino acid conservation, physicochemical variation, residue mobility, and thermodynamic stability) performed at Invitae indicates that this missense variant is not expected to disrupt CACNA1A protein function. In summary, the available evidence is currently insufficient to determine the role of this variant in disease. Therefore, it has been classified as a Variant of Uncertain Significance.

NM_001127222.2(CACNA1A):c.2336G>C (p.Ser779Thr)

Gene: CACNA1A (calcium voltage-gated channel subunit alpha1 A; minus strand). Cytogenetic location: 19p13.13.
Variant type: single nucleotide variant.
Coding change: c.2336G>C on transcript NM_001127222.2 (MANE Select); coding-DNA position 2336, G replaced by C.
Protein change: p.Ser779Thr; replaces serine 779 with threonine.
Molecular consequence: missense variant.
Genome position (GRCh38, 1-based): chr19:13,299,297, C>G on the plus strand (G>C on the coding strand, the complement: CACNA1A is on the minus strand). VCF-style: chr19-13299297-C-G. GRCh37 (hg19) VCF-style: chr19-13410111-C-G.
Other names: c.2348G>C, p.Ser783Thr (NM_000068.4, NM_023035.3); c.2339G>C, p.Ser780Thr (NM_001127221.2, NM_001174080.2); short protein forms S783T, S780T, S779T.
Identifiers: ClinVar variation 1523732 (VCV001523732.8), dbSNP rs372715067, ClinGen allele CA404343679.